The following is an entry in ClinVar:

NM_001184.4(ATR):c.4544G>A (p.Ser1515Asn)

Gene: ATR (ATR checkpoint kinase; minus strand). Cytogenetic location: 3q23.
Variant type: single nucleotide variant.
Coding change: c.4544G>A on transcript NM_001184.4 (MANE Select); coding-DNA position 4544, G replaced by A.
Protein change: p.Ser1515Asn; replaces serine 1515 with asparagine.
Molecular consequence: missense variant.
Genome position (GRCh38, 1-based): chr3:142,513,598, C>T on the plus strand (G>A on the coding strand, the complement: ATR is on the minus strand). VCF-style: chr3-142513598-C-T. GRCh37 (hg19) VCF-style: chr3-142232440-C-T.
Other names: c.4352G>A, p.Ser1451Asn (NM_001354579.2); short protein forms S1451N, S1515N.
Identifiers: ClinVar variation 1396916 (VCV001396916.13), dbSNP rs1346761060, ClinGen allele CA354797052.

ClinVar aggregate classification (germline): Uncertain significance. Review status: criteria provided, multiple submitters, no conflicts (2 of 4 stars). 4 submissions from 3 submitters: Uncertain significance (4). Last evaluated 2023-07-26.

Conditions:
Inborn genetic diseases. Identifiers: MedGen C0950123, MeSH D030342.
Familial cutaneous telangiectasia and oropharyngeal predisposition cancer syndrome. Identifiers: Orphanet 313846, MedGen C3281203, MONDO:0013806, OMIM 614564.
Seckel syndrome 1 (SCKL1). Also called: MICROCEPHALIC PRIMORDIAL DWARFISM I. Identifiers: Orphanet 808, MedGen C4551474, MONDO:0008869, OMIM 210600.

Allele frequency attached by ClinVar (database versions not stated): gnomAD 0.00001; gnomAD exomes 0.00001; TOPMed 0.00002.

Submissions (4):

Labcorp Genetics (formerly Invitae), Labcorp
Classification: Uncertain significance. Last evaluated: 2023-07-26. Review status: criteria provided, single submitter. Criteria: Invitae Variant Classification Sherloc (09022015). Collection method: clinical testing. Allele origin: germline.
Comment: This variant has not been reported in the literature in individuals affected with ATR-related conditions. This variant is not present in population databases (gnomAD no frequency). This sequence change replaces serine, which is neutral and polar, with asparagine, which is neutral and polar, at codon 1515 of the ATR protein (p.Ser1515Asn). In summary, the available evidence is currently insufficient to determine the role of this variant in disease. Therefore, it has been classified as a Variant of Uncertain Significance. An algorithm developed to predict the effect of missense changes on protein structure and function (PolyPhen-2) suggests that this variant is likely to be disruptive. ClinVar contains an entry for this variant (Variation ID: 1396916).

Genome-Nilou Lab
Classification: Uncertain significance for Seckel syndrome 1. Last evaluated: 2023-02-08. Review status: criteria provided, single submitter. Criteria: ACMG Guidelines, 2015. Collection method: clinical testing. Allele origin: germline.

Genome-Nilou Lab
Classification: Uncertain significance for Familial cutaneous telangiectasia and oropharyngeal predisposition cancer syndrome. Last evaluated: 2023-02-08. Review status: criteria provided, single submitter. Criteria: ACMG Guidelines, 2015. Collection method: clinical testing. Allele origin: germline.

Ambry Genetics
Classification: Uncertain significance for Inborn genetic diseases. Last evaluated: 2022-10-31. Review status: criteria provided, single submitter. Criteria: Ambry Variant Classification Scheme 2023. Collection method: clinical testing. Allele origin: germline.
Comment: The p.S1515N variant (also known as c.4544G>A), located in coding exon 26 of the ATR gene, results from a G to A substitution at nucleotide position 4544. The serine at codon 1515 is replaced by asparagine, an amino acid with highly similar properties. This amino acid position is conserved. In addition, this alteration is predicted to be tolerated by in silico analysis. Since supporting evidence is limited at this time, the clinical significance of this alteration remains unclear.